The following is an entry in ClinVar:

NM_020879.3(CCDC146):c.916C>T (p.Arg306Ter)

Gene: CCDC146 (coiled-coil domain containing 146; plus strand). Cytogenetic location: 7q11.23.
Variant type: single nucleotide variant.
Coding change: c.916C>T on transcript NM_020879.3 (MANE Select); coding-DNA position 916, C replaced by T.
Protein change: p.Arg306Ter; replaces arginine 306 with a stop codon.
Molecular consequence: nonsense.
Genome position (GRCh38, 1-based): chr7:77,260,166, C>T. VCF-style: chr7-77260166-C-T. GRCh37 (hg19) VCF-style: chr7-76889483-C-T.
Other names: short protein forms R306*.
Identifiers: ClinVar variation 4850653 (VCV004850653.1).

ClinVar aggregate classification (germline): Likely pathogenic (1 of 4 stars; one submission).

Conditions:
Spermatogenic failure 94. Identifiers: MedGen C5935627, MONDO:0971002, OMIM 620850.

gnomAD v4.1: 55 of 1,613,776 alleles (0.0034%); highest among the groups gnomAD compares: South Asian, 0.0099%; no homozygotes.

Submission:

First Genomix Gene Laboratory, Genetic Diagnostics Department
Classification: Likely pathogenic for Spermatogenic failure 94. Last evaluated: 2025-08-01. Review status: criteria provided, single submitter. Criteria: ACMG Guidelines, 2015. Collection method: clinical testing. Allele origin: germline. Inheritance: Autosomal recessive inheritance. Affected: no. Observed: 1 variant allele.